The following is an entry in ClinVar:

ClinVar aggregate classification (germline): Pathogenic/Likely pathogenic. Review status: criteria provided, multiple submitters, no conflicts (2 of 4 stars). 2 submissions from 2 submitters: Pathogenic (1); Likely pathogenic (1). Last evaluated 2025-03-27.

Submissions (2):

Labcorp Genetics (formerly Invitae), Labcorp
Classification: Pathogenic. Last evaluated: 2025-03-27. Review status: criteria provided, single submitter. Criteria: Invitae Variant Classification Sherloc (09022015). Collection method: clinical testing. Allele origin: germline.
Comment: This sequence change creates a premature translational stop signal (p.Gln1514*) in the SPTB gene. It is expected to result in an absent or disrupted protein product. Loss-of-function variants in SPTB are known to be pathogenic (PMID: 1391962, 1498324, 8844207, 26830532, 27292444). This variant is not present in population databases (gnomAD no frequency). This variant has not been reported in the literature in individuals affected with SPTB-related conditions. ClinVar contains an entry for this variant (Variation ID: 1325131). For these reasons, this variant has been classified as Pathogenic.

Revvity Omics, Revvity
Classification: Likely pathogenic. Last evaluated: 2021-04-23. Review status: criteria provided, single submitter. Criteria: ACMG Guidelines, 2015. Collection method: clinical testing. Allele origin: germline.

Literature cited by the submitters: PubMed 1391962 (cited by Labcorp Genetics (formerly Invitae), Labcorp); PubMed 1498324 (cited by Labcorp Genetics (formerly Invitae), Labcorp); PubMed 8844207 (cited by Labcorp Genetics (formerly Invitae), Labcorp); PubMed 26830532 (cited by Labcorp Genetics (formerly Invitae), Labcorp); PubMed 27292444 (cited by Labcorp Genetics (formerly Invitae), Labcorp).

NM_001355436.2(SPTB):c.4540C>T (p.Gln1514Ter)

Gene: SPTB (spectrin beta, erythrocytic; minus strand). Cytogenetic location: 14q23.3.
Variant type: single nucleotide variant.
Coding change: c.4540C>T on transcript NM_001355436.2 (MANE Select); coding-DNA position 4540, C replaced by T.
Protein change: p.Gln1514Ter; replaces glutamine 1514 with a stop codon.
Molecular consequence: nonsense.
Genome position (GRCh38, 1-based): chr14:64,779,180, G>A on the plus strand (C>T on the coding strand, the complement: SPTB is on the minus strand). VCF-style: chr14-64779180-G-A. GRCh37 (hg19) VCF-style: chr14-65245898-G-A.
Other names: c.4540C>T, p.Gln1514Ter (NM_001024858.4, NM_001355437.2); short protein forms Q1514*.
Identifiers: ClinVar variation 1325131 (VCV001325131.5), dbSNP rs2139530114, ClinGen allele CA390044042.
Genomic context (GRCh38, chr14:64,779,180, plus strand): 5'-GGGGTGGGTGGGGCTGGTGAGGTGACGCAGGACTCACCTGGTTCTTCTTCATGAACAGTT[G>A]CACAGTTTGCAGATTAGTGCCATAGTCGGCTGACTGGGCCAGAGGCAGCCTCTCCTCCAC-3'